The following is an entry in ClinVar:

NM_130466.4(UBE3B):c.1741G>A (p.Glu581Lys)

Gene: UBE3B (ubiquitin protein ligase E3B; plus strand). Cytogenetic location: 12q24.11.
Variant type: single nucleotide variant.
Coding change: c.1741G>A on transcript NM_130466.4 (MANE Select); coding-DNA position 1741, G replaced by A.
Protein change: p.Glu581Lys; replaces glutamic acid 581 with lysine.
Molecular consequence: missense variant.
Genome position (GRCh38, 1-based): chr12:109,509,714, G>A. VCF-style: chr12-109509714-G-A. GRCh37 (hg19) VCF-style: chr12-109947519-G-A.
Other names: c.1741G>A, p.Glu581Lys (NM_183415.3); short protein forms E581K.
Identifiers: ClinVar variation 1704942 (VCV001704942.2), dbSNP rs1266899670, ClinGen allele CA386638203.

ClinVar aggregate classification (germline): Likely pathogenic (1 of 4 stars; one submission).

Allele frequency attached by ClinVar (database versions not stated): gnomAD exomes below 0.00001.
gnomAD v4.1: 1 of 1,596,546 alleles (0.000063%); highest among the groups gnomAD compares: Non-Finnish European, 0.000085%; no homozygotes.

Submission:

GeneDx
Classification: Likely pathogenic. Last evaluated: 2022-09-06. Review status: criteria provided, single submitter. Criteria: GeneDx Variant Classification Process June 2021. Collection method: clinical testing. Allele origin: germline. Affected: yes.
Comment: In silico analysis supports that this missense variant does not alter protein structure/function; However, In silico analysis supports a deleterious effect on splicing; Not observed at significant frequency in large population cohorts (gnomAD); Has not been previously published as pathogenic or benign to our knowledge